The following is an entry in ClinVar:

NM_000286.3(PEX12):c.94G>A (p.Ala32Thr)

Gene: PEX12 (peroxisomal biogenesis factor 12; minus strand). Cytogenetic location: 17q12.
Variant type: single nucleotide variant.
Coding change: c.94G>A on transcript NM_000286.3 (MANE Select); coding-DNA position 94, G replaced by A.
Protein change: p.Ala32Thr; replaces alanine 32 with threonine.
Molecular consequence: missense variant.
Genome position (GRCh38, 1-based): chr17:35,577,928, C>T on the plus strand (G>A on the coding strand, the complement: PEX12 is on the minus strand). VCF-style: chr17-35577928-C-T. GRCh37 (hg19) VCF-style: chr17-33904947-C-T.
Other names: short protein forms A32T.
Identifiers: ClinVar variation 1384040 (VCV001384040.6), dbSNP rs2142231638, ClinGen allele CA399138882.
Genomic context (GRCh38, chr17:35,577,928, plus strand): 5'-AAAACCTTTCCAAGAATTAATACCTTACCTTGACCACATGCTGAAGAGCGGGTCTCACTG[C>T]TGTCATTAAACTGTCCTGTGCTACCACCTCAAAGATGGATGGCTGGTCATCGGCCACAGA-3'
Protein context (NP_000277.1, residues 22-42): EVVAQDSLMT[Ala32Thr]VRPALQHVVK

ClinVar aggregate classification (germline): Uncertain significance (1 of 4 stars; one submission).

Conditions:
Peroxisome biogenesis disorder 3A (Zellweger). Also called: Peroxisome biogenesis disorder 3A; PEROXISOMAL BIOGENESIS DISORDER 3A (ZELLWEGER). Identifiers: Orphanet 912, MedGen C3553929, MONDO:0013927, OMIM 614859.

Submission:

Labcorp Genetics (formerly Invitae), Labcorp
Classification: Uncertain significance for Peroxisome biogenesis disorder 3A (Zellweger). Last evaluated: 2024-10-16. Review status: criteria provided, single submitter. Criteria: Invitae Variant Classification Sherloc (09022015). Collection method: clinical testing. Allele origin: germline.
Comment: This sequence change replaces alanine, which is neutral and non-polar, with threonine, which is neutral and polar, at codon 32 of the PEX12 protein (p.Ala32Thr). This variant is not present in population databases (gnomAD no frequency). This variant has not been reported in the literature in individuals affected with PEX12-related conditions. ClinVar contains an entry for this variant (Variation ID: 1384040). Invitae Evidence Modeling of protein sequence and biophysical properties (such as structural, functional, and spatial information, amino acid conservation, physicochemical variation, residue mobility, and thermodynamic stability) indicates that this missense variant is not expected to disrupt PEX12 protein function with a negative predictive value of 80%. In summary, the available evidence is currently insufficient to determine the role of this variant in disease. Therefore, it has been classified as a Variant of Uncertain Significance.